The following is an entry in ClinVar:

ClinVar aggregate classification (germline): Uncertain significance (1 of 4 stars; one submission).

Conditions:
Hereditary breast ovarian cancer syndrome. Also called: Hereditary breast and/or ovarian cancer syndrome; Breast and ovarian cancer; BRCA1- and BRCA2-Associated Hereditary Breast and Ovarian Cancer; Hereditary breast and ovarian cancer syndrome; Hereditary breast and ovarian cancer syndrome (HBOC); Hereditary breast and ovarian cancer. Identifiers: Orphanet 145, MedGen C0677776, MeSH D061325, MONDO:0003582. Disease mechanism: loss of function.

Submission:

Labcorp Genetics (formerly Invitae), Labcorp
Classification: Uncertain significance for Hereditary breast ovarian cancer syndrome. Last evaluated: 2020-10-02. Review status: criteria provided, single submitter. Criteria: Invitae Variant Classification Sherloc (09022015). Collection method: clinical testing. Allele origin: germline.
Comment: This variant has not been reported in the literature in individuals with BRCA2-related conditions. This sequence change replaces valine with isoleucine at codon 2405 of the BRCA2 protein (p.Val2405Ile). The valine residue is moderately conserved and there is a small physicochemical difference between valine and isoleucine. This variant is not present in population databases (ExAC no frequency). Advanced modeling of protein sequence and biophysical properties (such as structural, functional, and spatial information, amino acid conservation, physicochemical variation, residue mobility, and thermodynamic stability) performed at Invitae indicates that this missense variant is not expected to disrupt BRCA2 protein function. In summary, the available evidence is currently insufficient to determine the role of this variant in disease. Therefore, it has been classified as a Variant of Uncertain Significance.

NM_000059.4(BRCA2):c.7213G>A (p.Val2405Ile)

Gene: BRCA2 (BRCA2 DNA repair associated; plus strand). Cytogenetic location: 13q13.1.
Variant type: single nucleotide variant.
Coding change: c.7213G>A on transcript NM_000059.4 (MANE Select); coding-DNA position 7213, G replaced by A.
Protein change: p.Val2405Ile; replaces valine 2405 with isoleucine.
Molecular consequence: missense variant.
Genome position (GRCh38, 1-based): chr13:32,355,066, G>A. VCF-style: chr13-32355066-G-A. GRCh37 (hg19) VCF-style: chr13-32929203-G-A.
Other names: short protein forms V2405I.
Identifiers: ClinVar variation 1061592 (VCV001061592.9), dbSNP rs1555286046, ClinGen allele CA387740003.